The following is an entry in ClinVar:

NM_133510.4(RAD51B):c.585_587dup (p.Glu198_Ile199insGlu)

Gene: RAD51B (RAD51 paralog B; plus strand). Cytogenetic location: 14q24.1.
Variant type: Duplication.
Coding change: c.585_587dup on transcript NM_133510.4 (MANE Select); coding-DNA positions 585 to 587, 3 bases duplicated (GGA; older notation c.585_587dupGGA).
Protein change: p.Glu198_Ile199insGlu.
Genome position (GRCh38, 1-based): chr14:67,887,033-67,887,035, GGA duplicated. VCF-style (leftmost placement, unchanged base first): chr14-67887032-T-TGGA. GRCh37 (hg19) VCF-style: chr14-68353749-T-TGGA.
Other names: c.585_587dup, p.Glu198_Ile199insGlu (NM_001321809.2, NM_001321810.2, NM_001321812.1 and 6 more transcripts); c.471_473dup, p.Glu160_Ile161insGlu (NM_001321815.1); c.228_230dup, p.Glu79_Ile80insGlu (NM_001321817.2).
Identifiers: ClinVar variation 4149796 (VCV004149796.1).

ClinVar aggregate classification (germline): Uncertain significance (1 of 4 stars; one submission).

Submission:

Ambry Genetics
Classification: Uncertain significance. Last evaluated: 2025-06-30. Review status: criteria provided, single submitter. Criteria: Ambry Variant Classification Scheme 2023. Collection method: clinical testing. Allele origin: germline.
Comment: The c.585_587dupGGA variant (also known as p.E198dup), located in coding exon 6 of the RAD51B gene, results from an in-frame duplication of GGA at nucleotide positions 585 to 587. This results in the duplication of an extra residue between codons 198 and 199. This amino acid position is well conserved in available vertebrate species. In addition, this variant is predicted to be deleterious by in silico analysis (Choi Y et al. PLoS ONE. 2012; 7(10):e46688). The evidence for this gene-disease relationship is limited; therefore, the clinical significance of this alteration is unclear.